The following is an entry in ClinVar:

ClinVar aggregate classification (germline): Uncertain significance (1 of 4 stars; one submission).

Submission:

Labcorp Genetics (formerly Invitae), Labcorp
Classification: Uncertain significance. Last evaluated: 2022-03-19. Review status: criteria provided, single submitter. Criteria: Invitae Variant Classification Sherloc (09022015). Collection method: clinical testing. Allele origin: germline.
Comment: This sequence change replaces glycine, which is neutral and non-polar, with glutamic acid, which is acidic and polar, at codon 1227 of the NBAS protein (p.Gly1227Glu). This variant is not present in population databases (gnomAD no frequency). This variant has not been reported in the literature in individuals affected with NBAS-related conditions. Algorithms developed to predict the effect of missense changes on protein structure and function (SIFT, PolyPhen-2, Align-GVGD) all suggest that this variant is likely to be disruptive. Algorithms developed to predict the effect of sequence changes on RNA splicing suggest that this variant may create or strengthen a splice site. In summary, the available evidence is currently insufficient to determine the role of this variant in disease. Therefore, it has been classified as a Variant of Uncertain Significance.

NM_015909.4(NBAS):c.3680G>A (p.Gly1227Glu)

Gene: NBAS (NBAS subunit of NRZ tethering complex; minus strand). Cytogenetic location: 2p24.3.
Variant type: single nucleotide variant.
Coding change: c.3680G>A on transcript NM_015909.4 (MANE Select); coding-DNA position 3680, G replaced by A.
Protein change: p.Gly1227Glu; replaces glycine 1227 with glutamic acid.
Molecular consequence: missense variant. On other transcripts: non-coding transcript variant (1).
Genome position (GRCh38, 1-based): chr2:15,374,631, C>T on the plus strand (G>A on the coding strand, the complement: NBAS is on the minus strand). VCF-style: chr2-15374631-C-T. GRCh37 (hg19) VCF-style: chr2-15514755-C-T.
Other names: short protein forms G1227E.
Identifiers: ClinVar variation 1495729 (VCV001495729.8), dbSNP rs2148359685, ClinGen allele CA345895888.